The following is an entry in ClinVar:

NM_032043.3(BRIP1):c.1592_1598del (p.Phe531fs)

Gene: BRIP1 (BRCA1 interacting DNA helicase 1; minus strand). Cytogenetic location: 17q23.2.
Variant type: Deletion.
Coding change: c.1592_1598del on transcript NM_032043.3 (MANE Select); coding-DNA positions 1592 to 1598, 7 bases deleted (TTATGGT; older notation c.1592_1598delTTATGGT).
Protein change: p.Phe531fs; shifts the reading frame from phenylalanine 531.
Molecular consequence: frameshift variant.
Genome position (GRCh38, 1-based): chr17:61,784,300-61,784,306, ACCATAA deleted on the plus strand (TTATGGT on the coding strand, the reverse complement: BRIP1 is on the minus strand); deleting any 7 consecutive bases within chr17:61,784,300-61,784,307 gives the same sequence; the c. name uses the placement nearest the transcript's 3' end. VCF-style (leftmost placement, unchanged base first): chr17-61784299-TACCATAA-T. GRCh37 (hg19) VCF-style: chr17-59861660-TACCATAA-T.
Other names: short protein forms F531fs.
Identifiers: ClinVar variation 2583604 (VCV002583604.2), dbSNP rs2545052244, ClinGen allele CA2582342287.

ClinVar aggregate classification (germline): Pathogenic (1 of 4 stars; one submission).

Conditions:
Familial cancer of breast. Also called: Hereditary breast cancer; BREAST CANCER, FAMILIAL; hereditary breast carcinoma. Identifiers: Orphanet 227535, MedGen C0346153, MONDO:0016419, OMIM 114480. Disease mechanism: loss of function.

Submission:

Myriad Genetics, Inc.
Classification: Pathogenic for Familial cancer of breast. Last evaluated: 2023-06-02. Review status: criteria provided, single submitter. Criteria: Myriad Autosomal Dominant, Autosomal Recessive and X-Linked Classification Criteria (2023). Collection method: clinical testing. Allele origin: unknown.
Comment: This variant is considered pathogenic. This variant creates a frameshift predicted to result in premature protein truncation.